The following is an entry in ClinVar:

NM_001845.6(COL4A1):c.4971G>A (p.Thr1657=)

Gene: COL4A1 (collagen type IV alpha 1 chain; minus strand). Cytogenetic location: 13q34.
Variant type: single nucleotide variant.
Coding change: c.4971G>A on transcript NM_001845.6 (MANE Select); coding-DNA position 4971, G replaced by A.
Protein change: p.Thr1657=; no amino-acid change (threonine 1657 retained).
Molecular consequence: synonymous variant.
Genome position (GRCh38, 1-based): chr13:110,150,402, C>T on the plus strand (G>A on the coding strand, the complement: COL4A1 is on the minus strand). VCF-style: chr13-110150402-C-T. GRCh37 (hg19) VCF-style: chr13-110802749-C-T.
Identifiers: ClinVar variation 881471 (VCV000881471.15), dbSNP rs139917163, ClinGen allele CA7046740.

ClinVar aggregate classification (germline): Benign/Likely benign. Review status: criteria provided, multiple submitters, no conflicts (2 of 4 stars). 4 submissions from 3 submitters: Benign (2); Likely benign (2). Last evaluated 2025-11-09.

Conditions:
Brain small vessel disease 1 with or without ocular anomalies (BSVD1). Also called: GOULD SYNDROME 1; PORENCEPHALY, TYPE 1, AUTOSOMAL DOMINANT; BRAIN SMALL VESSEL DISEASE WITH HEMORRHAGE; Brain small vessel disease with or without ocular anomalies. Identifiers: Orphanet 2940, Orphanet 36383, Orphanet 99810, MedGen C4755307, MONDO:0008289, OMIM 175780.
Hemorrhage, intracerebral, susceptibility to (ICH). Also called: Stroke, hemorrhagic, susceptibility to. Identifiers: MedGen C3281105, MONDO:0100533, OMIM 614519.
Autosomal dominant familial hematuria-retinal arteriolar tortuosity-contractures syndrome. Also called: Hereditary Angiopathy with Nephropathy, Aneurysms, and Muscle Cramps (HANAC) Syndrome; Angiopathy, hereditary, with nephropathy, aneurysms, and muscle cramps. Identifiers: Orphanet 73229, MedGen C2673195, MONDO:0012726, OMIM 611773.
Microangiopathy and leukoencephalopathy, pontine, autosomal dominant. Also called: Pontine autosomal dominant microangiopathy with leukoencephalopathy; DEMENTIA, HEREDITARY MULTI-INFARCT, SWEDISH TYPE. Identifiers: Orphanet 477749, MedGen C5231411, MONDO:0032814, OMIM 618564.
Retinal arterial tortuosity. Also called: Retinal arteries, tortuosity of; RETINAL HEMORRHAGE WITH VASCULAR TORTUOSITY. Identifiers: Orphanet 75326, MedGen C0423401, MONDO:0008373, OMIM 180000, HP:0000631.

Allele frequency attached by ClinVar (database versions not stated): gnomAD 0.00001 and 0.00002; ExAC 0.00003; gnomAD exomes 0.00004; TOPMed 0.00005; ESP Exome Variant Server 0.00008.
gnomAD v4.1: 63 of 1,613,866 alleles (0.0039%); highest among the groups gnomAD compares: East Asian, 0.011%; no homozygotes.

Submissions (4):

Labcorp Genetics (formerly Invitae), Labcorp
Classification: Likely benign. Last evaluated: 2025-11-09. Review status: criteria provided, single submitter. Criteria: Invitae Variant Classification Sherloc (09022015). Collection method: clinical testing. Allele origin: germline.

Fulgent Genetics
Classification: Likely benign for Brain small vessel disease 1 with or without ocular anomalies; Retinal arterial tortuosity; Autosomal dominant familial hematuria-retinal arteriolar tortuosity-contractures syndrome; Hemorrhage, intracerebral, susceptibility to; Microangiopathy and leukoencephalopathy, pontine, autosomal dominant. Last evaluated: 2021-07-03. Review status: criteria provided, single submitter. Criteria: ACMG Guidelines, 2015. Collection method: clinical testing. Allele origin: unknown.

Illumina Laboratory Services, Illumina
Classification: Benign for Brain small vessel disease 1 with or without ocular anomalies. Last evaluated: 2017-11-09. Review status: criteria provided, single submitter. Criteria: ICSL Variant Classification Criteria 13 December 2019. Collection method: clinical testing. Allele origin: germline.
Comment: This variant was observed as part of a predisposition screen in an ostensibly healthy population. A literature search was performed for the gene, cDNA change, and amino acid change (where applicable). No publications were found based on this search. Allele frequency data from public databases was too high to be consistent with this variant causing disease. Therefore, this variant is classified as benign.

Illumina Laboratory Services, Illumina
Classification: Benign for Autosomal dominant familial hematuria-retinal arteriolar tortuosity-contractures syndrome. Last evaluated: 2017-11-09. Review status: criteria provided, single submitter. Criteria: ICSL Variant Classification Criteria 13 December 2019. Collection method: clinical testing. Allele origin: germline.
Comment: the same text as in the submission from Illumina Laboratory Services, Illumina above.